The following continues an entry in ClinVar:

NM_021971.4(GMPPB):c.1000G>A (p.Asp334Asn)

Gene: GMPPB. ClinVar aggregate classification (germline): Pathogenic/Likely pathogenic. Pathogenic (11); Likely pathogenic (3).

Submissions 9 to 18 of 18:

Kariminejad - Najmabadi Pathology & Genetics Center
Classification: Pathogenic for Abnormality of the musculature. Last evaluated: 2021-07-10. Review status: criteria provided, single submitter. Criteria: ACMG Guidelines, 2015. Collection method: clinical testing. Allele origin: germline. Affected: yes.

Cambridge Genomics Laboratory, East Genomic Laboratory Hub, NHS Genomic Medicine Service
Classification: Likely pathogenic for Limb-girdle muscular dystrophy. Last evaluated: 2020-05-29. Review status: criteria provided, single submitter. Criteria: ACGS Best Practice Guidelines for Variant Classification in Rare Disease 2020. Collection method: clinical testing. Allele origin: germline. Affected: yes. Observed: 1 variant allele.

Institute of Human Genetics Munich, TUM University Hospital
Classification: Likely pathogenic for Autosomal recessive limb-girdle muscular dystrophy type 2T. Last evaluated: 2017-11-14. Review status: criteria provided, single submitter. Criteria: Classification criteria August 2017. Collection method: clinical testing. Allele origin: inherited. Inheritance: Autosomal recessive inheritance. Affected: yes. Observed: 1 homozygote.

Clinical Genetics Service, Universitary Hospital 12 de Octubre
Classification: Pathogenic for Autosomal recessive limb-girdle muscular dystrophy type 2T. Review status: criteria provided, single submitter. Criteria: ACMG Guidelines, 2015. Collection method: clinical testing. Allele origin: germline. Affected: yes.

Kasturba Medical College, Manipal, Kasturba Medical College, Manipal, Manipal Academy of Higher Education, Manipal, India
Classification: Pathogenic for Autosomal recessive limb-girdle muscular dystrophy type 2T. Review status: criteria provided, single submitter. Criteria: ACMG Guidelines, 2015. Collection method: clinical testing. Allele origin: unknown. Inheritance: Autosomal recessive inheritance. Affected: yes. Observed: 1 homozygote.
Comment: In-silico analysis tools (REVEL, CADD_phred, GERP, MutationTaster) are consistent in predicting the variant to impair GMPPB protein function. The variant c.1000G>A has been reported as pathogenic/likely pathogenic by 12 submitters to the ClinVar database (ClinVar id. 60540). This missense variant has been observed in individuals with muscular dystrophy-dystroglycanopathy (limb-girdle), type C, 14 (Polavarapu et al., 2021). Bi-allelic variants in GMPPB have been reported to cause muscular dystrophy-dystroglycanopathy (type A, 14; type B, 14; type C, 14).

Neuberg Centre For Genomic Medicine, NCGM
Classification: Pathogenic for Autosomal recessive limb-girdle muscular dystrophy type 2T. Review status: criteria provided, single submitter. Criteria: ACMG Guidelines, 2015. Collection method: clinical testing. Allele origin: germline. Inheritance: Autosomal recessive inheritance. Affected: yes.
Comment: The missense variant c.1000G>A (p.Asp334Asn) in GMPPB gene has been reported in the homozygous state in an individual affected myopathy and it has been observed on the opposite chromosome (in trans) from a pathogenic variant in an individual affected with congenital muscular dystrophy(Carss KJ et.al.,2013). Experimental studies have shown that this missense change disrupts the normal cellular localization of GDP-mannose pyrophorphorylase and leads to a reduction of glycosylated alpha-dystroglycan(Stevens E et.al.,2013). The p.Asp334Asn variant is novel (not in any individuals) in 1000 Genomes and allele frequency of 0.007568% is reported in gnomAD. This variant has been reported to the ClinVar database as Pathogenic/ Likely Pathogenic. The amino acid Asp at position 334 is changed to a Asn changing protein sequence and it might alter its composition and physico-chemical properties. The amino acid change p.Asp334Asn in GMPPB is predicted as conserved by GERP++ and PhyloP across 100 vertebrates. For these reasons, this variant has been classified as Pathogenic .

Dr.Nikuei Genetic Center
Classification: Pathogenic for Autosomal recessive limb-girdle muscular dystrophy type 2T. Last evaluated: 2024-05-21. Review status: no assertion criteria provided. Collection method: clinical testing. Allele origin: germline. Affected: yes. Not counted in ClinVar's aggregate classification.

OMIM
Classification: Pathogenic for MUSCULAR DYSTROPHY-DYSTROGLYCANOPATHY (CONGENITAL WITH BRAIN AND EYE ANOMALIES), TYPE A, 14. Last evaluated: 2013-07-11. Review status: no assertion criteria provided. Collection method: literature only. Allele origin: germline. Not counted in ClinVar's aggregate classification.

OMIM
Classification: Pathogenic for MUSCULAR DYSTROPHY-DYSTROGLYCANOPATHY (LIMB-GIRDLE), TYPE C, 14. Last evaluated: 2013-07-11. Review status: no assertion criteria provided. Collection method: literature only. Allele origin: germline. Not counted in ClinVar's aggregate classification.

Kasturba Medical College, Manipal, Kasturba Medical College, Manipal, Manipal Academy of Higher Education, Manipal, India
Classification: Uncertain significance for Muscular dystrophy-dystroglycanopathy (congenital with brain and eye anomalies), type A14. Review status: flagged submission. Criteria: ACMG Guidelines, 2015. Collection method: clinical testing. Allele origin: inherited. Inheritance: Autosomal recessive inheritance. Affected: yes. Not counted in ClinVar's aggregate classification.
ClinVar note: Reason: Outlier claim with insufficient supporting evidence

Literature cited by the submitters: PubMed 23768512 (cited by 4 submitters); PubMed 23894383 (cited by Ambry Genetics and Women's Health and Genetics/Laboratory Corporation of America, LabCorp); PubMed 26133662 (cited by 3 submitters); PubMed 29437916 (cited by Ambry Genetics); PubMed 34333724 (cited by Ambry Genetics and Women's Health and Genetics/Laboratory Corporation of America, LabCorp).